The following is an entry in ClinVar:

NM_001099289.3(SH3RF3):c.1049G>T (p.Ser350Ile)

Genes: RANBP2 (RAN binding protein 2; plus strand), SH3RF3 (SH3 domain containing ring finger 3; plus strand). Cytogenetic location: 2q13.
Variant type: single nucleotide variant.
Coding change: c.1049G>T on transcript NM_001099289.3 (MANE Select); coding-DNA position 1049, G replaced by T.
Protein change: p.Ser350Ile; replaces serine 350 with isoleucine.
Molecular consequence: missense variant.
Genome position (GRCh38, 1-based): chr2:109,398,693, G>T. VCF-style: chr2-109398693-G-T. GRCh37 (hg19) VCF-style: chr2-110015149-G-T.
Other names: short protein forms S350I.
Identifiers: ClinVar variation 2311201 (VCV002311201.3), dbSNP rs369969380, ClinGen allele CA1825532.

ClinVar aggregate classification (germline): Uncertain significance (1 of 4 stars; one submission).

Allele frequency attached by ClinVar (database versions not stated): ExAC 0.00006; ESP Exome Variant Server 0.00008; gnomAD 0.00009.
gnomAD v4.1: 59 of 1,611,232 alleles (0.0037%); highest among the groups gnomAD compares: African/African-American, 0.025%; no homozygotes.

Submission:

Ambry Genetics
Classification: Uncertain significance. Last evaluated: 2024-09-30. Review status: criteria provided, single submitter. Criteria: Ambry Variant Classification Scheme 2023. Collection method: clinical testing. Allele origin: germline.
Comment: The c.1049G>T (p.S350I) alteration is located in exon (coding exon ) of the SH3RF3 gene. This alteration results from a G to T substitution at nucleotide position 1049, causing the serine (S) at amino acid position 350 to be replaced by an isoleucine (I). Based on insufficient or conflicting evidence, the clinical significance of this alteration remains unclear.